The following is an entry in ClinVar:

ClinVar aggregate classification (germline): Uncertain significance (1 of 4 stars; one submission).

Conditions:
CHARGE syndrome (CHARGE). Also called: Hittner Hirsch Kreh syndrome; Coloboma, heart anomaly, choanal atresia, retardation, genital and ear anomalies; CHARGE association; Hall-Hittner syndrome; CHARGE ASSOCIATION--COLOBOMA, HEART ANOMALY, CHOANAL ATRESIA, RETARDATION, GENITAL AND EAR ANOMALIES. Identifiers: Orphanet 138, MedGen C0265354, MONDO:0008965.

Submission:

Baylor Genetics
Classification: Uncertain significance for CHD7-related CHARGE syndrome. Last evaluated: 2020-05-05. Review status: criteria provided, single submitter. Criteria: ACMG Guidelines, 2015. Collection method: clinical testing. Allele origin: unknown. Affected: yes.
Comment: This variant was determined to be of uncertain significance according to ACMG Guidelines, 2015 [PMID:25741868].

NM_017780.4(CHD7):c.247A>G (p.Met83Val)

Gene: CHD7 (chromodomain helicase DNA binding protein 7; plus strand). Cytogenetic location: 8q12.2.
Variant type: single nucleotide variant.
Coding change: c.247A>G on transcript NM_017780.4 (MANE Select); coding-DNA position 247, A replaced by G.
Protein change: p.Met83Val; replaces methionine 83 with valine.
Molecular consequence: missense variant.
Genome position (GRCh38, 1-based): chr8:60,741,679, A>G. VCF-style: chr8-60741679-A-G. GRCh37 (hg19) VCF-style: chr8-61654238-A-G.
Other names: c.247A>G, p.Met83Val (NM_001316690.1); short protein forms M83V.
Identifiers: ClinVar variation 1028055 (VCV001028055.1), dbSNP rs1809024182, ClinGen allele CA371296746.